The following is an entry in ClinVar:

NM_001104631.2(PDE4D):c.2404A>G (p.Ile802Val)

Gene: PDE4D (phosphodiesterase 4D; minus strand). Cytogenetic location: 5q11.2.
Variant type: single nucleotide variant.
Coding change: c.2404A>G on transcript NM_001104631.2 (MANE Select); coding-DNA position 2404, A replaced by G.
Protein change: p.Ile802Val; replaces isoleucine 802 with valine.
Molecular consequence: missense variant.
Genome position (GRCh38, 1-based): chr5:58,974,690, T>C on the plus strand (A>G on the coding strand, the complement: PDE4D is on the minus strand). VCF-style: chr5-58974690-T-C. GRCh37 (hg19) VCF-style: chr5-58270517-T-C.
Other names: c.2221A>G, p.Ile741Val (NM_001165899.2, NM_001364599.1); c.2212A>G, p.Ile738Val (NM_001197218.2); c.2038A>G, p.Ile680Val (NM_001197219.2); c.2014A>G, p.Ile672Val (NM_001197220.2); c.1498A>G, p.Ile500Val (NM_001197221.2, NM_001364603.1); c.1732A>G, p.Ile578Val (NM_001197222.2); c.1531A>G, p.Ile511Val (NM_001197223.2); c.2191A>G, p.Ile731Val (NM_001349241.2); and 4 more; short protein forms I500V, I578V, I672V, I680V, I738V, I802V, I546V, I692V.
Identifiers: ClinVar variation 1416399 (VCV001416399.15), dbSNP rs201517515, ClinGen allele CA3275891.

ClinVar aggregate classification (germline): Benign/Likely benign. Review status: criteria provided, multiple submitters, no conflicts (2 of 4 stars). 3 submissions from 3 submitters: Benign (1); Likely benign (2). Last evaluated 2025-08-01.

Conditions:
Inborn genetic diseases. Identifiers: MedGen C0950123, MeSH D030342.

Allele frequency attached by ClinVar (database versions not stated): ESP Exome Variant Server 0.00016; 1000 Genomes Project 0.00020; gnomAD exomes 0.00007 and 0.00015; ExAC 0.00008; TOPMed 0.00011; gnomAD 0.00014; 1000 Genomes Project 30x 0.00016.
gnomAD v4.1: 247 of 1,600,676 alleles (0.015%); highest among the groups gnomAD compares: Non-Finnish European, 0.019%; no homozygotes.

Submissions (3):

CeGaT Center for Human Genetics Tuebingen
Classification: Likely benign. Last evaluated: 2025-08-01. Review status: criteria provided, single submitter. Criteria: CeGaT Center For Human Genetics Tuebingen Variant Classification Criteria Version 2. Collection method: clinical testing. Allele origin: germline. Affected: yes. Observed: 1 variant allele.
Comment: PDE4D: BP4

Labcorp Genetics (formerly Invitae), Labcorp
Classification: Benign. Last evaluated: 2025-04-13. Review status: criteria provided, single submitter. Criteria: Invitae Variant Classification Sherloc (09022015). Collection method: clinical testing. Allele origin: germline.

Ambry Genetics
Classification: Likely benign for Inborn genetic diseases. Last evaluated: 2021-10-06. Review status: criteria provided, single submitter. Criteria: Ambry Variant Classification Scheme 2023. Collection method: clinical testing. Allele origin: germline.